The following is an entry in ClinVar:

ClinVar aggregate classification (germline): Uncertain significance (1 of 4 stars; one submission).

Conditions:
Inborn genetic diseases. Identifiers: MedGen C0950123, MeSH D030342.

gnomAD v4.1: 12 of 1,613,608 alleles (0.00074%); highest among the groups gnomAD compares: Non-Finnish European, 0.001%; no homozygotes.

Submission:

Ambry Genetics
Classification: Uncertain significance for Inborn genetic diseases. Last evaluated: 2024-12-04. Review status: criteria provided, single submitter. Criteria: Ambry Variant Classification Scheme 2023. Collection method: clinical testing. Allele origin: germline.
Comment: The p.Q564P variant (also known as c.1691A>C), located in coding exon 10 of the FANCM gene, results from an A to C substitution at nucleotide position 1691. The glutamine at codon 564 is replaced by proline, an amino acid with similar properties. This amino acid position is conserved. In addition, this alteration is predicted to be deleterious by in silico analysis. Based on the available evidence, the clinical significance of this variant remains unclear.

NM_020937.4(FANCM):c.1691A>C (p.Gln564Pro)

Gene: FANCM (FA complementation group M; plus strand). Cytogenetic location: 14q21.2.
Variant type: single nucleotide variant.
Coding change: c.1691A>C on transcript NM_020937.4 (MANE Select); coding-DNA position 1691, A replaced by C.
Protein change: p.Gln564Pro; replaces glutamine 564 with proline.
Molecular consequence: missense variant.
Genome position (GRCh38, 1-based): chr14:45,164,468, A>C. VCF-style: chr14-45164468-A-C. GRCh37 (hg19) VCF-style: chr14-45633671-A-C.
Other names: c.1613A>C, p.Gln538Pro (NM_001308133.2); c.1691A>C, p.Gln564Pro (NM_001308134.2); short protein forms Q538P, Q564P.
Identifiers: ClinVar variation 3512969 (VCV003512969.1).